The following is an entry in ClinVar:

ClinVar aggregate classification (germline): Uncertain significance (1 of 4 stars; one submission).

Conditions:
TULP1-related disorder. Also called: TULP1-related disorders; TULP1-related condition.

Submission:

PreventionGenetics, part of Exact Sciences
Classification: Uncertain significance for TULP1-related condition. Last evaluated: 2026-03-23. Review status: criteria provided, single submitter. Criteria: ACMG Guidelines, 2015. Collection method: clinical testing. Allele origin: germline.
Comment: The TULP1 c.1229C>A variant is predicted to result in the amino acid substitution p.Thr410Asn. To our knowledge, this variant has not been reported in the literature. This variant is reported in 0.016% of alleles in individuals of Latino descent in gnomAD. At this time, the clinical significance of this variant is uncertain due to the absence of conclusive functional and genetic evidence.

NM_003322.6(TULP1):c.1229C>A (p.Thr410Asn)

Gene: TULP1 (TUB like protein 1; minus strand). Cytogenetic location: 6p21.31.
Variant type: single nucleotide variant.
Coding change: c.1229C>A on transcript NM_003322.6 (MANE Select); coding-DNA position 1229, C replaced by A.
Protein change: p.Thr410Asn; replaces threonine 410 with asparagine.
Molecular consequence: missense variant.
Genome position (GRCh38, 1-based): chr6:35,503,653, G>T on the plus strand (C>A on the coding strand, the complement: TULP1 is on the minus strand). VCF-style: chr6-35503653-G-T. GRCh37 (hg19) VCF-style: chr6-35471430-G-T.
Other names: c.1070C>A, p.Thr357Asn (NM_001289395.2); short protein forms T357N, T410N.
Identifiers: ClinVar variation 4988187 (VCV004988187.1).